The following is an entry in ClinVar:

ClinVar aggregate classification (germline): Uncertain significance. Review status: criteria provided, multiple submitters, no conflicts (2 of 4 stars). 7 submissions from 6 submitters: Uncertain significance (6). 1 of the submissions does not count toward it. Last evaluated 2026-08-21.

Conditions:
CDH23-related disorder. Also called: CDH23-related condition; CDH23-related disorders.
Usher syndrome type 1 (USH1). Also called: RETINITIS PIGMENTOSA AND CONGENITAL DEAFNESS. Identifiers: Orphanet 231169, Orphanet 886, MedGen C1568247, MONDO:0010168, OMIM 276900.
Usher syndrome type 1D (USH1D). Also called: USHER SYNDROME, TYPE ID. Identifiers: Orphanet 231169, Orphanet 886, MedGen C1832845, MONDO:0010984, OMIM 601067.
Autosomal recessive nonsyndromic hearing loss 12. Also called: DEAFNESS, AUTOSOMAL RECESSIVE 12. Identifiers: Orphanet 90636, MedGen C1832394, MONDO:0011067, OMIM 601386.

Allele frequency attached by ClinVar (database versions not stated): gnomAD 0.00001; gnomAD exomes 0.00001 and 0.00003; ExAC 0.00002; TOPMed 0.00003.
gnomAD v4.1: 23 of 1,613,042 alleles (0.0014%); highest among the groups gnomAD compares: Admixed American, 0.0033%; no homozygotes.

Submissions (7):

PreventionGenetics, part of Exact Sciences
Classification: Uncertain significance for CDH23-related condition. Last evaluated: 2026-08-21. Review status: criteria provided, single submitter. Criteria: ACMG Guidelines, 2015. Collection method: clinical testing. Allele origin: germline.
Comment: The CDH23 c.3328A>G variant is predicted to result in the amino acid substitution p.Ser1110Gly. To our knowledge, this variant has not been reported in the literature. This variant is reported in 0.0063% of alleles in individuals of European (Non-Finnish) descent in gnomAD. At this time, the clinical significance of this variant is uncertain due to the absence of conclusive functional and genetic evidence.

Labcorp Genetics (formerly Invitae), Labcorp
Classification: Uncertain significance. Last evaluated: 2024-09-16. Review status: criteria provided, single submitter. Criteria: Invitae Variant Classification Sherloc (09022015). Collection method: clinical testing. Allele origin: germline.
Comment: This sequence change replaces serine, which is neutral and polar, with glycine, which is neutral and non-polar, at codon 1110 of the CDH23 protein (p.Ser1110Gly). This variant is present in population databases (rs757508152, gnomAD 0.006%). This variant has not been reported in the literature in individuals affected with CDH23-related conditions. ClinVar contains an entry for this variant (Variation ID: 228492). Invitae Evidence Modeling of protein sequence and biophysical properties (such as structural, functional, and spatial information, amino acid conservation, physicochemical variation, residue mobility, and thermodynamic stability) indicates that this missense variant is not expected to disrupt CDH23 protein function with a negative predictive value of 95%. In summary, the available evidence is currently insufficient to determine the role of this variant in disease. Therefore, it has been classified as a Variant of Uncertain Significance.

Blueprint Genetics
Classification: Uncertain significance. Last evaluated: 2024-09-02. Review status: criteria provided, single submitter. Criteria: ACMG Guidelines, 2015. Collection method: clinical testing. Allele origin: germline.

Illumina Laboratory Services, Illumina
Classification: Uncertain significance for Usher syndrome type 1D. Last evaluated: 2018-01-13. Review status: criteria provided, single submitter. Criteria: ICSL Variant Classification Criteria 13 December 2019. Collection method: clinical testing. Allele origin: germline.

Illumina Laboratory Services, Illumina
Classification: Uncertain significance for Autosomal recessive nonsyndromic hearing loss 12. Last evaluated: 2018-01-13. Review status: criteria provided, single submitter. Criteria: ICSL Variant Classification Criteria 13 December 2019. Collection method: clinical testing. Allele origin: germline.

Laboratory for Molecular Medicine, Mass General Brigham Personalized Medicine
Classification: Uncertain significance. Last evaluated: 2015-01-29. Review status: criteria provided, single submitter. Criteria: LMM Criteria. Collection method: clinical testing. Allele origin: germline. Observed: 1 variant allele.
Comment: The p.Ser1110Gly variant in CDH23 has not been previously reported in individual s with hearing loss, but has been identified in 2/60180 of European (Non-Finnish ) chromosomes by the Exome Aggregation Consortium (ExAC). Computational prediction tools and conservation analysis do not provid e strong support for or against an impact to the protein. In summary, the clinic al significance of the p.Ser1110Gly variant is uncertain.

Natera, Inc.
Classification: Uncertain significance for Usher syndrome type 1. Last evaluated: 2019-10-28. Review status: no assertion criteria provided. Collection method: clinical testing. Allele origin: germline. Not counted in ClinVar's aggregate classification.

NM_022124.6(CDH23):c.3328A>G (p.Ser1110Gly)

Genes: C10orf105 (chromosome 10 open reading frame 105; minus strand), CDH23 (cadherin related 23; plus strand). Cytogenetic location: 10q22.1.
Variant type: single nucleotide variant.
Coding change: c.3328A>G on transcript NM_022124.6 (MANE Select); coding-DNA position 3328, A replaced by G.
Protein change: p.Ser1110Gly; replaces serine 1110 with glycine.
Molecular consequence: missense variant. On other transcripts: 3 prime UTR variant (2).
Genome position (GRCh38, 1-based): chr10:71,712,772, A>G. VCF-style: chr10-71712772-A-G. GRCh37 (hg19) VCF-style: chr10-73472529-A-G.
Other names: c.*3164T>C (NM_001164375.3, NM_001168390.2); c.3328A>G, p.Ser1110Gly (NM_001171930.2); short protein forms S1110G.
Identifiers: ClinVar variation 228492 (VCV000228492.14), dbSNP rs757508152, ClinGen allele CA5544551.